The following is an entry in ClinVar:

ClinVar aggregate classification (germline): Uncertain significance (1 of 4 stars; one submission).

gnomAD v4.1: 1 of 1,550,010 alleles (0.000065%); highest among the groups gnomAD compares: Non-Finnish European, 0.000087%; no homozygotes.

Submission:

ARUP Laboratories, Molecular Genetics and Genomics, ARUP Laboratories
Classification: Uncertain significance. Last evaluated: 2024-08-07. Review status: criteria provided, single submitter. Criteria: ARUP Molecular Germline Variant Investigation Process 2024. Collection method: clinical testing. Allele origin: germline.
Comment: The PIEZO1 c.7277A>G; p.Lys2426Arg variant, to our knowledge, is not reported in the medical literature or gene specific databases. This variant is also absent from the Genome Aggregation Database (v2.1.1), indicating it is not a common polymorphism. Computational analyses are uncertain whether this variant is neutral or deleterious (REVEL: 0.329). Due to limited information, the clinical significance of this variant is uncertain at this time.

NM_001142864.4(PIEZO1):c.7277A>G (p.Lys2426Arg)

Gene: PIEZO1 (piezo type mechanosensitive ion channel component 1 (Er blood group); minus strand). Cytogenetic location: 16q24.3.
Variant type: single nucleotide variant.
Coding change: c.7277A>G on transcript NM_001142864.4 (MANE Select); coding-DNA position 7277, A replaced by G.
Protein change: p.Lys2426Arg; replaces lysine 2426 with arginine.
Molecular consequence: missense variant.
Genome position (GRCh38, 1-based): chr16:88,715,972, T>C on the plus strand (A>G on the coding strand, the complement: PIEZO1 is on the minus strand). VCF-style: chr16-88715972-T-C. GRCh37 (hg19) VCF-style: chr16-88782380-T-C.
Other names: short protein forms K2426R.
Identifiers: ClinVar variation 3766766 (VCV003766766.1).